The following is an entry in ClinVar:

NM_001184.4(ATR):c.6233A>G (p.Tyr2078Cys)

Gene: ATR (ATR checkpoint kinase; minus strand). Cytogenetic location: 3q23.
Variant type: single nucleotide variant.
Coding change: c.6233A>G on transcript NM_001184.4 (MANE Select); coding-DNA position 6233, A replaced by G.
Protein change: p.Tyr2078Cys; replaces tyrosine 2078 with cysteine.
Molecular consequence: missense variant.
Genome position (GRCh38, 1-based): chr3:142,470,172, T>C on the plus strand (A>G on the coding strand, the complement: ATR is on the minus strand). VCF-style: chr3-142470172-T-C. GRCh37 (hg19) VCF-style: chr3-142189014-T-C.
Other names: c.6041A>G, p.Tyr2014Cys (NM_001354579.2); short protein forms Y2078C, Y2014C.
Identifiers: ClinVar variation 1752351 (VCV001752351.3), dbSNP rs2473074050, ClinGen allele CA354806101.

ClinVar aggregate classification (germline): Uncertain significance (1 of 4 stars; one submission).

Conditions:
Inborn genetic diseases. Identifiers: MedGen C0950123, MeSH D030342.

Allele frequency attached by ClinVar (database versions not stated): gnomAD exomes below 0.00001.
gnomAD v4.1: 3 of 1,601,574 alleles (0.00019%); highest among the groups gnomAD compares: Non-Finnish European, 0.00026%; no homozygotes.

Submission:

Ambry Genetics
Classification: Uncertain significance for Inborn genetic diseases. Last evaluated: 2024-08-02. Review status: criteria provided, single submitter. Criteria: Ambry Variant Classification Scheme 2023. Collection method: clinical testing. Allele origin: germline.
Comment: The p.Y2078C variant (also known as c.6233A>G), located in coding exon 37 of the ATR gene, results from an A to G substitution at nucleotide position 6233. The tyrosine at codon 2078 is replaced by cysteine, an amino acid with highly dissimilar properties. This amino acid position is conserved. In addition, the in silico prediction for this alteration is inconclusive. Since supporting evidence is limited at this time, the clinical significance of this alteration remains unclear.